The following is an entry in ClinVar:

NM_001384140.1(PCDH15):c.3709G>A (p.Asp1237Asn)

Gene: PCDH15 (protocadherin related 15; minus strand). Cytogenetic location: 10q21.1.
Variant type: single nucleotide variant.
Coding change: c.3709G>A on transcript NM_001384140.1 (MANE Select); coding-DNA position 3709, G replaced by A.
Protein change: p.Asp1237Asn; replaces aspartic acid 1237 with asparagine.
Molecular consequence: missense variant.
Genome position (GRCh38, 1-based): chr10:53,866,650, C>T on the plus strand (G>A on the coding strand, the complement: PCDH15 is on the minus strand). VCF-style: chr10-53866650-C-T. GRCh37 (hg19) VCF-style: chr10-55626410-C-T.
Other names: c.3724G>A, p.Asp1242Asn (NM_001142763.2, NM_001142771.2); c.3709G>A, p.Asp1237Asn (NM_001142764.2, NM_001142766.2, NM_001142770.3 and 4 more transcripts); c.3496G>A, p.Asp1166Asn (NM_001142765.2); c.3598G>A, p.Asp1200Asn (NM_001142767.2); c.3643G>A, p.Asp1215Asn (NM_001142768.2, NM_001142773.2, NM_001354404.2); c.3745G>A, p.Asp1249Asn (NM_001142769.4); c.3730G>A, p.Asp1244Asn (NM_001354411.2); short protein forms D1166N, D1237N, D1242N, D1249N, D1215N, D1244N, D1200N.
Identifiers: ClinVar variation 2157363 (VCV002157363.2), dbSNP rs371278220, ClinGen allele CA501064.

ClinVar aggregate classification (germline): Uncertain significance. Review status: criteria provided, single submitter (1 of 4 stars). 2 submissions from 2 submitters: Uncertain significance (1). 1 of the submissions does not count toward it. Last evaluated 2022-03-12.

Conditions:
PCDH15-related disorder. Also called: PCDH15-related condition; PCDH15-related disorders.

Allele frequency attached by ClinVar (database versions not stated): ExAC 0.00002; TOPMed 0.00002; ESP Exome Variant Server 0.00008.
gnomAD v4.1: 19 of 1,613,054 alleles (0.0012%); highest among the groups gnomAD compares: East Asian, 0.0022%; no homozygotes.

Submissions (2):

Labcorp Genetics (formerly Invitae), Labcorp
Classification: Uncertain significance. Last evaluated: 2022-03-12. Review status: criteria provided, single submitter. Criteria: Invitae Variant Classification Sherloc (09022015). Collection method: clinical testing. Allele origin: germline.
Comment: This sequence change replaces aspartic acid, which is acidic and polar, with asparagine, which is neutral and polar, at codon 1237 of the PCDH15 protein (p.Asp1237Asn). This variant is present in population databases (rs371278220, gnomAD 0.003%). This variant has not been reported in the literature in individuals affected with PCDH15-related conditions. Algorithms developed to predict the effect of missense changes on protein structure and function are either unavailable or do not agree on the potential impact of this missense change (SIFT: "Deleterious"; PolyPhen-2: "Benign"; Align-GVGD: "Class C0"). In summary, the available evidence is currently insufficient to determine the role of this variant in disease. Therefore, it has been classified as a Variant of Uncertain Significance.

PreventionGenetics, part of Exact Sciences
Classification: Uncertain significance for PCDH15-related condition. Last evaluated: 2024-07-15. Review status: no assertion criteria provided. Collection method: clinical testing. Allele origin: germline. Not counted in ClinVar's aggregate classification.
Comment: The PCDH15 c.3709G>A variant is predicted to result in the amino acid substitution p.Asp1237Asn. To our knowledge, this variant has not been reported in the literature. This variant is reported in 0.0033% of alleles in individuals of South Asian descent in gnomAD. At this time, the clinical significance of this variant is uncertain due to the absence of conclusive functional and genetic evidence.